The following is an entry in ClinVar:

NM_002474.3(MYH11):c.1990C>G (p.Leu664Val)

Gene: MYH11 (myosin heavy chain 11; minus strand). Cytogenetic location: 16p13.11.
Variant type: single nucleotide variant.
Coding change: c.1990C>G on transcript NM_002474.3 (MANE Select); coding-DNA position 1990, C replaced by G.
Protein change: p.Leu664Val; replaces leucine 664 with valine.
Molecular consequence: missense variant.
Genome position (GRCh38, 1-based): chr16:15,750,206, G>C on the plus strand (C>G on the coding strand, the complement: MYH11 is on the minus strand). VCF-style: chr16-15750206-G-C. GRCh37 (hg19) VCF-style: chr16-15844063-G-C.
Other names: c.1990C>G (NM_002474.2); c.2011C>G, p.Leu671Val (NM_001040113.2, NM_001040114.2); c.1990C>G, p.Leu664Val (NM_022844.3); short protein forms L671V, L664V.
Identifiers: ClinVar variation 465711 (VCV000465711.9), dbSNP rs762549707, ClinGen allele CA7922458.

ClinVar aggregate classification (germline): Uncertain significance. Review status: criteria provided, multiple submitters, no conflicts (2 of 4 stars). 4 submissions from 4 submitters: Uncertain significance (4). Last evaluated 2024-03-06.

Conditions:
Familial thoracic aortic aneurysm and aortic dissection (TAAD). Also called: Thoracic aortic aneurysms and dissections. Identifiers: Orphanet 91387, MedGen C4707243, MONDO:0019625.
Aortic aneurysm, familial thoracic 4 (AAT4). Also called: AORTIC ANEURYSM/AORTIC DISSECTION AND PATENT DUCTUS ARTERIOSUS. Identifiers: MedGen C1851504, MONDO:0007568, OMIM 132900.

Allele frequency attached by ClinVar (database versions not stated): ExAC 0.00001; gnomAD 0.00001; gnomAD exomes 0.00001.
gnomAD v4.1: 9 of 1,614,118 alleles (0.00056%); highest among the groups gnomAD compares: Non-Finnish European, 0.00076%; no homozygotes.

Submissions (4):

Color Diagnostics, LLC DBA Color Health
Classification: Uncertain significance for Familial thoracic aortic aneurysm and aortic dissection. Last evaluated: 2024-03-06. Review status: criteria provided, single submitter. Criteria: ACMG Guidelines, 2015. Collection method: clinical testing. Allele origin: germline.
Comment: This missense variant replaces leucine with valine at codon 671 of the MYH11 protein. Computational prediction tools indicate that this variant has a deleterious impact on protein structure and function. To our knowledge, functional studies have not been reported for this variant. This variant has not been reported in individuals affected with MYH11-related disorders in the literature. This variant has been identified in 3/251326 chromosomes in the general population by the Genome Aggregation Database (gnomAD). The available evidence is insufficient to determine the role of this variant in disease conclusively. Therefore, this variant is classified as a Variant of Uncertain Significance.

All of Us Research Program, National Institutes of Health
Classification: Uncertain significance for Familial thoracic aortic aneurysm and aortic dissection. Last evaluated: 2024-02-22. Review status: criteria provided, single submitter. Criteria: ACMG Guidelines, 2015. Collection method: clinical testing. Allele origin: germline. Inheritance: Autosomal dominant inheritance. Observed: 1 variant allele, 1 heterozygote.
Comment: This missense variant replaces leucine with valine at codon 671 of the MYH11 protein. Computational prediction tools indicate that this variant has a deleterious impact on protein structure and function. To our knowledge, functional studies have not been reported for this variant. This variant has not been reported in individuals affected with MYH11-related disorders in the literature. This variant has been identified in 3/251326 chromosomes in the general population by the Genome Aggregation Database (gnomAD). The available evidence is insufficient to determine the role of this variant in disease conclusively. Therefore, this variant is classified as a Variant of Uncertain Significance.

This study involves interpretation of variants in research participants for the purpose of population health screening. Participant phenotype was not available at the time of variant classification. Additional details can be found in publication PMID: 35346344, PMCID: PMC8962531

GeneDx
Classification: Uncertain significance. Last evaluated: 2024-01-04. Review status: criteria provided, single submitter. Criteria: GeneDx Variant Classification Process June 2021. Collection method: clinical testing. Allele origin: germline. Affected: yes.
Comment: Has not been previously published as pathogenic or benign to our knowledge; Not observed at significant frequency in large population cohorts (gnomAD); In silico analysis supports that this missense variant has a deleterious effect on protein structure/function

Labcorp Genetics (formerly Invitae), Labcorp
Classification: Uncertain significance for Aortic aneurysm, familial thoracic 4. Last evaluated: 2021-09-01. Review status: criteria provided, single submitter. Criteria: Invitae Variant Classification Sherloc (09022015). Collection method: clinical testing. Allele origin: germline.
Comment: This sequence change replaces leucine with valine at codon 671 of the MYH11 protein (p.Leu671Val). The leucine residue is highly conserved and there is a small physicochemical difference between leucine and valine. This variant is present in population databases (rs762549707, ExAC 0.002%). This variant has not been reported in the literature in individuals affected with MYH11-related conditions. Algorithms developed to predict the effect of missense changes on protein structure and function (SIFT, PolyPhen-2, Align-GVGD) all suggest that this variant is likely to be disruptive. Algorithms developed to predict the effect of sequence changes on RNA splicing suggest that this variant may create or strengthen a splice site. In summary, the available evidence is currently insufficient to determine the role of this variant in disease. Therefore, it has been classified as a Variant of Uncertain Significance.